The following is an entry in ClinVar:

ClinVar aggregate classification (germline): Uncertain significance (1 of 4 stars; one submission).

Conditions:
SUPT16H-related disorder. Also called: SUPT16H-related condition.

Submission:

PreventionGenetics, part of Exact Sciences
Classification: Uncertain significance for SUPT16H-related condition. Last evaluated: 2022-09-20. Review status: criteria provided, single submitter. Criteria: ACMG Guidelines, 2015. Collection method: clinical testing. Allele origin: germline.
Comment: The SUPT16H c.420C>G variant is predicted to result in the amino acid substitution p.Asp140Glu. To our knowledge, this variant has not been reported in the literature or in a large population database, indicating this variant is rare. At this time, the clinical significance of this variant is uncertain due to the absence of conclusive functional and genetic evidence.

NM_007192.4(SUPT16H):c.420C>G (p.Asp140Glu)

Gene: SUPT16H (SPT16 homolog, facilitates chromatin remodeling subunit; minus strand). Cytogenetic location: 14q11.2.
Variant type: single nucleotide variant.
Coding change: c.420C>G on transcript NM_007192.4 (MANE Select); coding-DNA position 420, C replaced by G.
Protein change: p.Asp140Glu; replaces aspartic acid 140 with glutamic acid.
Molecular consequence: missense variant.
Genome position (GRCh38, 1-based): chr14:21,370,399, G>C on the plus strand (C>G on the coding strand, the complement: SUPT16H is on the minus strand). VCF-style: chr14-21370399-G-C. GRCh37 (hg19) VCF-style: chr14-21838558-G-C.
Other names: short protein forms D140E.
Identifiers: ClinVar variation 2637005 (VCV002637005.1), dbSNP rs1331291461, ClinGen allele CA388871631.